The following is an entry in ClinVar:

ClinVar aggregate classification (germline): Uncertain significance (1 of 4 stars; one submission).

Conditions:
Neuroblastoma, susceptibility to, 3. Also called: ALK-Related Neuroblastic Tumor Susceptibility. Identifiers: Orphanet 635, MedGen C2751681, MONDO:0013083, OMIM 613014.

gnomAD v4.1: 5 of 1,613,452 alleles (0.00031%); highest among the groups gnomAD compares: South Asian, 0.0044%; no homozygotes.

Submission:

Labcorp Genetics (formerly Invitae), Labcorp
Classification: Uncertain significance for Neuroblastoma, susceptibility to, 3. Last evaluated: 2026-01-24. Review status: criteria provided, single submitter. Criteria: Invitae Variant Classification Sherloc (09022015). Collection method: clinical testing. Allele origin: germline.
Comment: This sequence change replaces glycine, which is neutral and non-polar, with aspartic acid, which is acidic and polar, at codon 153 of the ALK protein (p.Gly153Asp). This variant is not present in population databases (gnomAD no frequency). This variant has not been reported in the literature in individuals affected with ALK-related conditions. An algorithm developed to predict the effect of missense changes on protein structure and function (PolyPhen-2) suggests that this variant is likely to be disruptive. In summary, the available evidence is currently insufficient to determine the role of this variant in disease. Therefore, it has been classified as a Variant of Uncertain Significance.

NM_004304.5(ALK):c.458G>A (p.Gly153Asp)

Gene: ALK (ALK receptor tyrosine kinase; minus strand). Cytogenetic location: 2p23.1.
Variant type: single nucleotide variant.
Coding change: c.458G>A on transcript NM_004304.5 (MANE Select); coding-DNA position 458, G replaced by A.
Protein change: p.Gly153Asp; replaces glycine 153 with aspartic acid.
Molecular consequence: missense variant.
Genome position (GRCh38, 1-based): chr2:29,920,202, C>T on the plus strand (G>A on the coding strand, the complement: ALK is on the minus strand). VCF-style: chr2-29920202-C-T. GRCh37 (hg19) VCF-style: chr2-30143068-C-T.
Other names: short protein forms G153D.
Identifiers: ClinVar variation 4740616 (VCV004740616.1).